The following is an entry in ClinVar:

ClinVar aggregate classification (germline): Benign/Likely benign. Review status: criteria provided, multiple submitters, no conflicts (2 of 4 stars). 3 submissions from 3 submitters: Benign (1); Likely benign (2). Last evaluated 2024-05-10.

Conditions:
Hereditary cancer-predisposing syndrome. Also called: Hereditary neoplastic syndrome; Neoplastic Syndromes, Hereditary; Tumor predisposition; Hereditary Cancer Syndrome. Identifiers: Orphanet 140162, MedGen C0027672, MeSH D009386, MONDO:0015356.
Familial cancer of breast. Also called: BREAST CANCER, FAMILIAL; Hereditary breast cancer; hereditary breast carcinoma. Identifiers: Orphanet 227535, MedGen C0346153, MONDO:0016419, OMIM 114480. Disease mechanism: loss of function.
Ataxia-telangiectasia syndrome (AT). Also called: LOUIS-BAR SYNDROME; Cerebello-oculocutaneous telangiectasia; Immunodeficiency with ataxia telangiectasia; AT, COMPLEMENTATION GROUP C; Ataxia-telangiectasia, complementation group D; ATAXIA-TELANGIECTASIA, COMPLEMENTATION GROUP A. Identifiers: Orphanet 100, MedGen C0004135, MONDO:0008840, OMIM 208900.

Submissions (3):

Myriad Genetics, Inc.
Classification: Benign for Familial cancer of breast. Last evaluated: 2024-05-10. Review status: criteria provided, single submitter. Criteria: Myriad Autosomal Dominant, Autosomal Recessive and X-Linked Classification Criteria (2023). Collection method: clinical testing. Allele origin: unknown.
Comment: This variant is considered benign. This variant is a silent/synonymous amino acid change and it is not expected to impact splicing.

Labcorp Genetics (formerly Invitae), Labcorp
Classification: Likely benign for Ataxia-telangiectasia syndrome. Last evaluated: 2022-08-16. Review status: criteria provided, single submitter. Criteria: Invitae Variant Classification Sherloc (09022015). Collection method: clinical testing. Allele origin: germline.

Ambry Genetics
Classification: Likely benign for Hereditary cancer-predisposing syndrome. Last evaluated: 2016-08-19. Review status: criteria provided, single submitter. Criteria: Ambry Variant Classification Scheme 2023. Collection method: clinical testing. Allele origin: germline.

NM_000051.4(ATM):c.2874G>A (p.Glu958=)

Gene: ATM (ATM serine/threonine kinase; plus strand). Cytogenetic location: 11q22.3.
Variant type: single nucleotide variant.
Coding change: c.2874G>A on transcript NM_000051.4 (MANE Select); coding-DNA position 2874, G replaced by A.
Protein change: p.Glu958=; no amino-acid change (glutamic acid 958 retained).
Molecular consequence: synonymous variant.
Genome position (GRCh38, 1-based): chr11:108,271,099, G>A. VCF-style: chr11-108271099-G-A. GRCh37 (hg19) VCF-style: chr11-108141826-G-A.
Other names: c.2874G>A, p.Glu958= (NM_001351834.2).
Identifiers: ClinVar variation 481278 (VCV000481278.11), dbSNP rs1555084671, ClinGen allele CA476674160.